The following is an entry in ClinVar:

ClinVar aggregate classification (germline): Uncertain significance. Review status: criteria provided, multiple submitters, no conflicts (2 of 4 stars). 2 submissions from 2 submitters: Uncertain significance (2). Last evaluated 2025-08-06.

Conditions:
Hereditary cancer-predisposing syndrome. Also called: Neoplastic Syndromes, Hereditary; Hereditary Cancer Syndrome; Hereditary neoplastic syndrome; Tumor predisposition. Identifiers: Orphanet 140162, MedGen C0027672, MeSH D009386, MONDO:0015356.
Ataxia-telangiectasia syndrome (AT). Also called: ATAXIA-TELANGIECTASIA, COMPLEMENTATION GROUP A; ATAXIA-TELANGIECTASIA, FRESNO VARIANT; Ataxia-telangiectasia, complementation group E; Ataxia telangiectasia (A-T); LOUIS-BAR SYNDROME; Cerebello-oculocutaneous telangiectasia. Identifiers: Orphanet 100, MedGen C0004135, MONDO:0008840, OMIM 208900.

Submissions (2):

Labcorp Genetics (formerly Invitae), Labcorp
Classification: Uncertain significance for Ataxia-telangiectasia syndrome. Last evaluated: 2025-08-06. Review status: criteria provided, single submitter. Criteria: Invitae Variant Classification Sherloc (09022015). Collection method: clinical testing. Allele origin: germline.
Comment: This sequence change replaces histidine, which is basic and polar, with aspartic acid, which is acidic and polar, at codon 1847 of the ATM protein (p.His1847Asp). This variant is not present in population databases (gnomAD no frequency). This variant has not been reported in the literature in individuals affected with ATM-related conditions. ClinVar contains an entry for this variant (Variation ID: 825813). Invitae Evidence Modeling of protein sequence and biophysical properties (such as structural, functional, and spatial information, amino acid conservation, physicochemical variation, residue mobility, and thermodynamic stability) has been performed for this missense variant. However, the output from this modeling did not meet the statistical confidence thresholds required to predict the impact of this variant on ATM protein function. In summary, the available evidence is currently insufficient to determine the role of this variant in disease. Therefore, it has been classified as a Variant of Uncertain Significance.

Ambry Genetics
Classification: Uncertain significance for Hereditary cancer-predisposing syndrome. Last evaluated: 2023-12-26. Review status: criteria provided, single submitter. Criteria: Ambry Variant Classification Scheme 2023. Collection method: clinical testing. Allele origin: germline.
Comment: The p.H1847D variant (also known as c.5539C>G), located in coding exon 36 of the ATM gene, results from a C to G substitution at nucleotide position 5539. The histidine at codon 1847 is replaced by aspartic acid, an amino acid with similar properties. This amino acid position is highly conserved in available vertebrate species. In addition, this alteration is predicted to be deleterious by in silico analysis. Since supporting evidence is limited at this time, the clinical significance of this alteration remains unclear.

NM_000051.4(ATM):c.5539C>G (p.His1847Asp)

Gene: ATM (ATM serine/threonine kinase; plus strand). Cytogenetic location: 11q22.3.
Variant type: single nucleotide variant.
Coding change: c.5539C>G on transcript NM_000051.4 (MANE Select); coding-DNA position 5539, C replaced by G.
Protein change: p.His1847Asp; replaces histidine 1847 with aspartic acid.
Molecular consequence: missense variant.
Genome position (GRCh38, 1-based): chr11:108,304,717, C>G. VCF-style: chr11-108304717-C-G. GRCh37 (hg19) VCF-style: chr11-108175444-C-G.
Other names: c.5539C>G, p.His1847Asp (NM_001351834.2); short protein forms H1847D.
Identifiers: ClinVar variation 825813 (VCV000825813.10), dbSNP rs1591717732, ClinGen allele CA382545915.